The following is an entry in ClinVar:

ClinVar aggregate classification (germline): Uncertain significance (1 of 4 stars; one submission).

Conditions:
Beckwith-Wiedemann syndrome (BWS). Also called: Exomphalos macroglossia gigantism syndrome; EMG SYNDROME. Identifiers: Orphanet 116, MedGen C0004903, MONDO:0007534, OMIM 130650.

Allele frequency attached by ClinVar (database versions not stated): TOPMed below 0.00001; gnomAD 0.00001.

Submission:

Labcorp Genetics (formerly Invitae), Labcorp
Classification: Uncertain significance for Beckwith-Wiedemann syndrome. Last evaluated: 2025-10-26. Review status: criteria provided, single submitter. Criteria: Invitae Variant Classification Sherloc (09022015). Collection method: clinical testing. Allele origin: germline.
Comment: This sequence change replaces alanine, which is neutral and non-polar, with valine, which is neutral and non-polar, at codon 181 of the CDKN1C protein (p.Ala181Val). The frequency data for this variant in the population databases is considered unreliable, as metrics indicate insufficient coverage at this position in the gnomAD database. This variant has not been reported in the literature in individuals affected with CDKN1C-related conditions. ClinVar contains an entry for this variant (Variation ID: 581359). Invitae Evidence Modeling of protein sequence and biophysical properties (such as structural, functional, and spatial information, amino acid conservation, physicochemical variation, residue mobility, and thermodynamic stability) indicates that this missense variant is not expected to disrupt CDKN1C protein function with a negative predictive value of 80%. In summary, the available evidence is currently insufficient to determine the role of this variant in disease. Therefore, it has been classified as a Variant of Uncertain Significance.

NM_001122630.2(CDKN1C):c.509C>T (p.Ala170Val)

Gene: CDKN1C (cyclin dependent kinase inhibitor 1C; minus strand). Cytogenetic location: 11p15.4.
Variant type: single nucleotide variant.
Coding change: c.509C>T on transcript NM_001122630.2 (MANE Select); coding-DNA position 509, C replaced by T.
Protein change: p.Ala170Val; replaces alanine 170 with valine.
Molecular consequence: missense variant. On other transcripts: intron variant (1).
Genome position (GRCh38, 1-based): chr11:2,884,948, G>A on the plus strand (C>T on the coding strand, the complement: CDKN1C is on the minus strand). VCF-style: chr11-2884948-G-A. GRCh37 (hg19) VCF-style: chr11-2906178-G-A.
Other names: c.542C>T, p.Ala181Val (NM_000076.2, NM_001362474.2, LRG_533t1); c.509C>T, p.Ala170Val (NM_001122631.2); c.255+254C>T (NM_001362475.2); short protein forms A181V, A170V.
Identifiers: ClinVar variation 581359 (VCV000581359.7), dbSNP rs1332953428, ClinGen allele CA379146497.